The following is an entry in ClinVar:

ClinVar aggregate classification (germline): Uncertain significance (1 of 4 stars; one submission).

Conditions:
Cardiovascular phenotype. Identifiers: MedGen CN230736.

Submission:

Ambry Genetics
Classification: Uncertain significance for Cardiovascular phenotype. Last evaluated: 2021-07-06. Review status: criteria provided, single submitter. Criteria: Ambry Variant Classification Scheme 2023. Collection method: clinical testing. Allele origin: germline.
Comment: The p.M2091V variant (also known as c.6271A>G), located in coding exon 43 of the DMD gene, results from an A to G substitution at nucleotide position 6271. The methionine at codon 2091 is replaced by valine, an amino acid with highly similar properties. This amino acid position is not well conserved in available vertebrate species, and valine is the reference amino acid in other vertebrate species. In addition, this alteration is predicted to be tolerated by in silico analysis. Since supporting evidence is limited at this time, the clinical significance of this alteration remains unclear.

NM_004006.3(DMD):c.6271A>G (p.Met2091Val)

Gene: DMD (dystrophin; minus strand). Cytogenetic location: Xp21.1.
Variant type: single nucleotide variant.
Coding change: c.6271A>G on transcript NM_004006.3 (MANE Select); coding-DNA position 6271, A replaced by G.
Protein change: p.Met2091Val; replaces methionine 2091 with valine.
Molecular consequence: missense variant.
Genome position (GRCh38, 1-based): chrX:32,287,548, T>C on the plus strand (A>G on the coding strand, the complement: DMD is on the minus strand). VCF-style: chrX-32287548-T-C. GRCh37 (hg19) VCF-style: chrX-32305665-T-C.
Other names: c.6247A>G, p.Met2083Val (NM_000109.4); c.6259A>G, p.Met2087Val (NM_004009.3); c.5902A>G, p.Met1968Val (NM_004010.3); c.2248A>G, p.Met750Val (NM_004011.4); c.2239A>G, p.Met747Val (NM_004012.4); short protein forms M750V, M2083V, M2091V, M2087V, M747V, M1968V.
Identifiers: ClinVar variation 1752553 (VCV001752553.2), dbSNP rs2519919335, ClinGen allele CA412665622.
Genomic context (GRCh38, chrX:32,287,548, plus strand): 5'-TCATTTCTGCAAGTATCAAGAAAAATATATGTGTTACCTACCCTTGTCGGTCCTTGTACA[T>C]TTTGTTAACTTTTTCCCATTGGAAATCAAGCTGGGAGAGAGCTTCCTGTAGCTTCACCCT-3'
Protein context (NP_003997.2, residues 2081-2101): LDFQWEKVNK[Met2091Val]YKDRQGRFDR